The following is an entry in ClinVar:

NM_001371904.1(APOA5):c.608G>C (p.Gly203Ala)

Gene: APOA5 (apolipoprotein A5; minus strand). Cytogenetic location: 11q23.3.
Variant type: single nucleotide variant.
Coding change: c.608G>C on transcript NM_001371904.1 (MANE Select); coding-DNA position 608, G replaced by C.
Protein change: p.Gly203Ala; replaces glycine 203 with alanine.
Molecular consequence: missense variant.
Genome position (GRCh38, 1-based): chr11:116,790,621, C>G on the plus strand (G>C on the coding strand, the complement: APOA5 is on the minus strand). VCF-style: chr11-116790621-C-G. GRCh37 (hg19) VCF-style: chr11-116661337-C-G.
Other names: c.608G>C, p.Gly203Ala (NM_001166598.2, NM_052968.5); short protein forms G203A.
Identifiers: ClinVar variation 3306980 (VCV003306980.1).
Genomic context (GRCh38, chr11:116,790,621, plus strand): 5'-CGCGCGGGGCTGGCGGGGGCGTGCGGAGCCACACTGCGGTGCAGCTCCTGCACGTGGCGC[C>G]CGATGCCGCTCACCAGGCTCTCGGCGTATGGGTGGAAGAGCTCTTTGAAGCGGCCGGTGT-3'
Protein context (NP_001358833.1, residues 193-213): PYAESLVSGI[Gly203Ala]RHVQELHRSV

ClinVar aggregate classification (germline): Uncertain significance (1 of 4 stars; one submission).

Conditions:
Cardiovascular phenotype. Identifiers: MedGen CN230736.

Submission:

Ambry Genetics
Classification: Uncertain significance for Cardiovascular phenotype. Last evaluated: 2024-04-23. Review status: criteria provided, single submitter. Criteria: Ambry Variant Classification Scheme 2023. Collection method: clinical testing. Allele origin: germline.
Comment: The p.G203A variant (also known as c.608G>C), located in coding exon 3 of the APOA5 gene, results from a G to C substitution at nucleotide position 608. The glycine at codon 203 is replaced by alanine, an amino acid with similar properties. This amino acid position is conserved. In addition, this alteration is predicted to be tolerated by in silico analysis. Based on the available evidence, the clinical significance of this variant remains unclear.